The following is an entry in ClinVar:

NM_052859.4(RFT1):c.1607G>A (p.Arg536His)

Gene: RFT1 (RFT1 glycolipid translocator homolog; minus strand). Cytogenetic location: 3p21.1.
Variant type: single nucleotide variant.
Coding change: c.1607G>A on transcript NM_052859.4 (MANE Select); coding-DNA position 1607, G replaced by A.
Protein change: p.Arg536His; replaces arginine 536 with histidine.
Molecular consequence: missense variant.
Genome position (GRCh38, 1-based): chr3:53,091,922, C>T on the plus strand (G>A on the coding strand, the complement: RFT1 is on the minus strand). VCF-style: chr3-53091922-C-T. GRCh37 (hg19) VCF-style: chr3-53125938-C-T.
Other names: short protein forms R536H.
Identifiers: ClinVar variation 1435992 (VCV001435992.3), dbSNP rs781398694, ClinGen allele CA2451115.

ClinVar aggregate classification (germline): Uncertain significance (1 of 4 stars; one submission).

Conditions:
RFT1-congenital disorder of glycosylation (CDG1N). Also called: CDG In; Congenital disorder of glycosylation type In; RFT1-CDG. Identifiers: Orphanet 244310, MedGen C2677590, MONDO:0012783, OMIM 612015.

Allele frequency attached by ClinVar (database versions not stated): gnomAD 0.00001 and 0.00002; ExAC 0.00002; gnomAD exomes 0.00002; TOPMed 0.00003.
gnomAD v4.1: 31 of 1,614,088 alleles (0.0019%); highest among the groups gnomAD compares: Middle Eastern, 0.033%; no homozygotes.

Submission:

Labcorp Genetics (formerly Invitae), Labcorp
Classification: Uncertain significance for RFT1-congenital disorder of glycosylation. Last evaluated: 2022-08-23. Review status: criteria provided, single submitter. Criteria: Invitae Variant Classification Sherloc (09022015). Collection method: clinical testing. Allele origin: germline.
Comment: This sequence change replaces arginine, which is basic and polar, with histidine, which is basic and polar, at codon 536 of the RFT1 protein (p.Arg536His). This variant is present in population databases (rs781398694, gnomAD 0.01%). This variant has not been reported in the literature in individuals affected with RFT1-related conditions. ClinVar contains an entry for this variant (Variation ID: 1435992). Algorithms developed to predict the effect of missense changes on protein structure and function (SIFT, PolyPhen-2, Align-GVGD) all suggest that this variant is likely to be tolerated. In summary, the available evidence is currently insufficient to determine the role of this variant in disease. Therefore, it has been classified as a Variant of Uncertain Significance.